The following is an entry in ClinVar:

ClinVar aggregate classification (germline): Pathogenic. Review status: reviewed by expert panel (3 of 4 stars). 9 submissions from 9 submitters: Pathogenic (1). 8 of the submissions do not count toward it. Last evaluated 2016-09-08.

Conditions:
Hereditary cancer-predisposing syndrome. Also called: Tumor predisposition; Hereditary Cancer Syndrome; Neoplastic Syndromes, Hereditary; Hereditary neoplastic syndrome. Identifiers: Orphanet 140162, MedGen C0027672, MeSH D009386, MONDO:0015356.
Hereditary breast ovarian cancer syndrome. Also called: Hereditary breast and ovarian cancer; Hereditary breast and/or ovarian cancer syndrome; BRCA1- and BRCA2-Associated Hereditary Breast and Ovarian Cancer; Hereditary breast and ovarian cancer syndrome; Hereditary breast and ovarian cancer syndrome (HBOC); Breast and ovarian cancer. Identifiers: Orphanet 145, MedGen C0677776, MeSH D061325, MONDO:0003582. Disease mechanism: loss of function.
Pancreatic cancer, susceptibility to, 2. Identifiers: Orphanet 1333, MedGen C3150546, MONDO:0013235, OMIM 613347.
Breast-ovarian cancer, familial, susceptibility to, 2 (BROVCA2). Also called: BRCA2 Hereditary Breast and Ovarian Cancer. Identifiers: Orphanet 145, MedGen C2675520, MONDO:0012933, OMIM 612555. Disease mechanism: loss of function.
Familial cancer of breast. Also called: BREAST CANCER, FAMILIAL; Hereditary breast cancer; hereditary breast carcinoma. Identifiers: Orphanet 227535, MedGen C0346153, MONDO:0016419, OMIM 114480. Disease mechanism: loss of function.

Submissions (9):

Evidence-based Network for the Interpretation of Germline Mutant Alleles (ENIGMA)
Classification: Pathogenic for Breast-ovarian cancer, familial, susceptibility to, 2. Last evaluated: 2016-09-08. Review status: reviewed by expert panel. Criteria: ENIGMA BRCA1/2 Classification Criteria (2015). Collection method: curation. Allele origin: germline.
Comment: Variant allele predicted to encode a truncated non-functional protein.

Labcorp Genetics (formerly Invitae), Labcorp
Classification: Pathogenic for Hereditary breast ovarian cancer syndrome. Last evaluated: 2026-01-21. Review status: criteria provided, single submitter. Criteria: Invitae Variant Classification Sherloc (09022015). Collection method: clinical testing. Allele origin: germline. Not counted in ClinVar's aggregate classification.
Comment: This sequence change creates a premature translational stop signal (p.Tyr2215*) in the BRCA2 gene. It is expected to result in an absent or disrupted protein product. Loss-of-function variants in BRCA2 are known to be pathogenic (PMID: 20104584). This variant is not present in population databases (gnomAD no frequency). This premature translational stop signal has been observed in individual(s) with BRCA2-related conditions (PMID: 21520333, 26187060, 26848529). ClinVar contains an entry for this variant (Variation ID: 126113). For these reasons, this variant has been classified as Pathogenic.

Department of Pathology and Laboratory Medicine, Sinai Health System
Classification: Pathogenic for Pancreatic cancer, susceptibility to, 2. Last evaluated: 2023-10-02. Review status: criteria provided, single submitter. Criteria: ACMG Guidelines, 2015. Collection method: clinical testing. Allele origin: germline. Affected: yes. Not counted in ClinVar's aggregate classification.

Ambry Genetics
Classification: Pathogenic for Hereditary cancer-predisposing syndrome. Last evaluated: 2023-05-26. Review status: criteria provided, single submitter. Criteria: Ambry Variant Classification Scheme 2023. Collection method: clinical testing. Allele origin: germline. Not counted in ClinVar's aggregate classification.
Comment: The p.Y2215* pathogenic mutation (also known as c.6645C>G), located in coding exon 10 of the BRCA2 gene, results from a C to G substitution at nucleotide position 6645. This changes the amino acid from a tyrosine to a stop codon within coding exon 10. This alteration was identified in a large, worldwide study of BRCA1/2 mutation positive families (Rebbeck TR et al. Hum Mutat. 2018 May;39(5):593-620.). In addition to the clinical data presented in the literature, this alteration is expected to result in loss of function by premature protein truncation or nonsense-mediated mRNA decay. As such, this alteration is interpreted as a disease-causing mutation.

Color Diagnostics, LLC DBA Color Health
Classification: Pathogenic for Hereditary cancer-predisposing syndrome. Last evaluated: 2020-04-07. Review status: criteria provided, single submitter. Criteria: ACMG Guidelines, 2015. Collection method: clinical testing. Allele origin: germline. Not counted in ClinVar's aggregate classification.
Comment: This variant changes 1 nucleotide in exon 11 of the BRCA2 gene, creating a premature translation stop signal. This variant is expected to result in an absent or non-functional protein product. To our knowledge, this variant has not been reported in individuals affected with hereditary cancer in the literature. This variant has not been identified in the general population by the Genome Aggregation Database (gnomAD). Loss of BRCA2 function is a known mechanism of disease. Based on the available evidence, this variant is classified as Pathogenic.

GeneDx
Classification: Pathogenic. Last evaluated: 2018-04-12. Review status: criteria provided, single submitter. Criteria: GeneDx Variant Classification (06012015). Collection method: clinical testing. Allele origin: germline. Affected: yes. Not counted in ClinVar's aggregate classification.
Comment: This variant is denoted BRCA2 c.6645C>G at the cDNA level and p.Tyr2215Ter (Y2215X) at the protein level. The substitution creates a nonsense variant, which changes a Tyrosine to a premature stop codon (TAC>TAG), and is predicted to cause loss of normal protein function through either protein truncation or nonsense-mediated mRNA decay. Although this variant has not, to our knowledge, been reported in the literature, it is considered pathogenic.

Consortium of Investigators of Modifiers of BRCA1/2 (CIMBA), c/o University of Cambridge
Classification: Pathogenic for Breast-ovarian cancer, familial, susceptibility to, 2. Last evaluated: 2015-10-02. Review status: criteria provided, single submitter. Criteria: CIMBA Mutation Classification guidelines May 2016. Collection method: clinical testing. Allele origin: germline. Not counted in ClinVar's aggregate classification.

Department of Pediatrics, Memorial Sloan Kettering Cancer Center
Classification: Pathogenic for Familial cancer of breast. Last evaluated: 2016-11-25. Review status: no assertion criteria provided. Collection method: clinical testing. Allele origin: germline. Inheritance: Autosomal dominant inheritance. Affected: no. Observed: 1 variant allele, 1 heterozygote. Not counted in ClinVar's aggregate classification.

Breast Cancer Information Core (BIC) (BRCA2)
Classification: Pathogenic for Breast-ovarian cancer, familial 2. Last evaluated: 2003-12-23. Review status: no assertion criteria provided. Collection method: clinical testing. Allele origin: germline. Affected: yes. Observed: 1 variant allele. Not counted in ClinVar's aggregate classification.

Literature cited by the submitters: PubMed 20104584 (cited by Labcorp Genetics (formerly Invitae), Labcorp); PubMed 21520333 (cited by Labcorp Genetics (formerly Invitae), Labcorp); PubMed 26187060 (cited by Labcorp Genetics (formerly Invitae), Labcorp); PubMed 26848529 (cited by Labcorp Genetics (formerly Invitae), Labcorp).

NM_000059.4(BRCA2):c.6645C>G (p.Tyr2215Ter)

Gene: BRCA2 (BRCA2 DNA repair associated; plus strand). Cytogenetic location: 13q13.1.
Variant type: single nucleotide variant.
Coding change: c.6645C>G on transcript NM_000059.4 (MANE Select); coding-DNA position 6645, C replaced by G.
Protein change: p.Tyr2215Ter; replaces tyrosine 2215 with a stop codon.
Molecular consequence: nonsense.
Genome position (GRCh38, 1-based): chr13:32,341,000, C>G. VCF-style: chr13-32341000-C-G. GRCh37 (hg19) VCF-style: chr13-32915137-C-G.
Other names: short protein forms Y2215*.
Identifiers: ClinVar variation 126113 (VCV000126113.28), dbSNP rs80358892, ClinGen allele CA024254.